The following is an entry in ClinVar:

NM_014921.5(ADGRL1):c.2240G>A (p.Gly747Asp)

Genes: ADGRL1 (adhesion G protein-coupled receptor L1; minus strand), ADGRL1-AS1 (ADGRL1 antisense RNA 1; plus strand). Cytogenetic location: 19p13.12.
Variant type: single nucleotide variant.
Coding change: c.2240G>A on transcript NM_014921.5 (MANE Select); coding-DNA position 2240, G replaced by A.
Protein change: p.Gly747Asp; replaces glycine 747 with aspartic acid.
Molecular consequence: missense variant.
Genome position (GRCh38, 1-based): chr19:14,158,462, C>T on the plus strand (G>A on the coding strand, the complement: ADGRL1 is on the minus strand). VCF-style: chr19-14158462-C-T. GRCh37 (hg19) VCF-style: chr19-14269274-C-T.
Other names: c.2255G>A, p.Gly752Asp (NM_001008701.3); short protein forms G747D, G752D.
Identifiers: ClinVar variation 4886129 (VCV004886129.2).
Genomic context (GRCh38, chr19:14,158,462, plus strand): 5'-ATGGATGCTGCGATGACCTGTGAGTTCACCACTAGAGAGGCGCCCCCAGGGCCACCCGGG[C>T]CTGCTTCGCCGGCCAGCTTCACTGTGGCATTCTCCGTGGACAGGAAGAGGCCCAGGTTGT-3'
Protein context (NP_055736.2, residues 737-757): NATVKLAGEA[Gly747Asp]PGGPGGASLV

ClinVar aggregate classification (germline): Uncertain significance (1 of 4 stars; one submission).

gnomAD v4.1: 1 of 1,613,922 alleles (0.000062%); highest among the groups gnomAD compares: Non-Finnish European, 0.000085%; no homozygotes.

Submission:

Dasa
Classification: Uncertain significance. Last evaluated: 2024-10-01. Review status: criteria provided, single submitter. Criteria: DASA Assertion Criteria. Collection method: clinical testing. Allele origin: germline.
Comment: NM_014921.5(ADGRL1):c.2240G>A (p.Gly747Asp) is a missense variant that results in the substitution of glycine with aspartic acid. This variant is rare in population databases. Computational prediction algorithms are consistent with a benign effect. The currently available literature and clinical evidence are not sufficient to establish a definitive association between this variant and the reported condition. Therefore, this variant is classified as a variant of uncertain significance.